The following is an entry in ClinVar:

ClinVar aggregate classification (germline): Uncertain significance (1 of 4 stars; one submission).

Conditions:
Cardiovascular phenotype. Identifiers: MedGen CN230736.

Allele frequency attached by ClinVar (database versions not stated): gnomAD exomes below 0.00001.
gnomAD v4.1: 4 of 1,614,052 alleles (0.00025%); highest among the groups gnomAD compares: Non-Finnish European, 0.00034%; no homozygotes.

Submission:

Ambry Genetics
Classification: Uncertain significance for Cardiovascular phenotype. Last evaluated: 2025-09-04. Review status: criteria provided, single submitter. Criteria: Ambry Variant Classification Scheme 2023. Collection method: clinical testing. Allele origin: germline.
Comment: The p.Y806F variant (also known as c.2417A>T), located in coding exon 14 of the EPHB4 gene, results from an A to T substitution at nucleotide position 2417. The tyrosine at codon 806 is replaced by phenylalanine, an amino acid with highly similar properties. This amino acid position is conserved. In addition, the in silico prediction for this alteration is inconclusive. Since supporting evidence is limited at this time, the clinical significance of this alteration remains unclear.

NM_004444.5(EPHB4):c.2417A>T (p.Tyr806Phe)

Genes: EPHB4 (EPH receptor B4; minus strand), LOC126860124 (CDK7 strongly-dependent group 2 enhancer GRCh37_chr7:100403701-100404900; plus strand). Cytogenetic location: 7q22.1.
Variant type: single nucleotide variant.
Coding change: c.2417A>T on transcript NM_004444.5 (MANE Select); coding-DNA position 2417, A replaced by T.
Protein change: p.Tyr806Phe; replaces tyrosine 806 with phenylalanine.
Molecular consequence: missense variant.
Genome position (GRCh38, 1-based): chr7:100,806,487, T>A on the plus strand (A>T on the coding strand, the complement: EPHB4 is on the minus strand). VCF-style: chr7-100806487-T-A. GRCh37 (hg19) VCF-style: chr7-100404109-T-A.
Other names: short protein forms Y806F.
Identifiers: ClinVar variation 2450405 (VCV002450405.3), dbSNP rs2485000695, ClinGen allele CA368567645.